The following is an entry in ClinVar:

ClinVar aggregate classification (germline): Likely benign. Review status: criteria provided, multiple submitters, no conflicts (2 of 4 stars). 6 submissions from 6 submitters: Likely benign (5). 1 of the submissions does not count toward it. Last evaluated 2025-03-03.

Conditions:
SYNE1-related disorder. Also called: SYNE1-related disorders; SYNE1-related disease; SYNE1-related condition.
Emery-Dreifuss muscular dystrophy 4, autosomal dominant (EDMD4). Also called: EMERY-DREIFUSS MUSCULAR DYSTROPHY 4 WITH VARIABLE FEATURES. Identifiers: Orphanet 261, MedGen C2751807, MONDO:0013071, OMIM 612998.
Autosomal recessive ataxia, Beauce type. Also called: SYNE1-Related Autosomal Recessive Cerebellar Ataxia; SYNE1 Deficiency; Spinocerebellar ataxia, autosomal recessive 8; ATAXIA, RECESSIVE, OF BEAUCE. Identifiers: Orphanet 88644, MedGen C1853116, MONDO:0012549, OMIM 610743.

Allele frequency attached by ClinVar (database versions not stated): ESP Exome Variant Server 0.00008; gnomAD 0.00009; ExAC 0.00004; gnomAD exomes 0.00004; TOPMed 0.00005.
gnomAD v4.1: 71 of 1,613,968 alleles (0.0044%); highest among the groups gnomAD compares: Middle Eastern, 0.033%; no homozygotes.

Submissions (6):

Labcorp Genetics (formerly Invitae), Labcorp
Classification: Likely benign for Emery-Dreifuss muscular dystrophy 4, autosomal dominant; Autosomal recessive ataxia, Beauce type. Last evaluated: 2025-03-03. Review status: criteria provided, single submitter. Criteria: Invitae Variant Classification Sherloc (09022015). Collection method: clinical testing. Allele origin: germline.

Blueprint Genetics
Classification: Likely benign. Last evaluated: 2024-07-05. Review status: criteria provided, single submitter. Criteria: ACMG Guidelines, 2015. Collection method: clinical testing. Allele origin: germline.

CeGaT Center for Human Genetics Tuebingen
Classification: Likely benign. Last evaluated: 2022-04-01. Review status: criteria provided, single submitter. Criteria: CeGaT Center For Human Genetics Tuebingen Variant Classification Criteria Version 2. Collection method: clinical testing. Allele origin: germline. Affected: yes. Observed: 1 variant allele.
Comment: SYNE1: BP4, BP7

Athena Diagnostics
Classification: Likely benign. Last evaluated: 2017-11-20. Review status: criteria provided, single submitter. Criteria: Athena Diagnostics Criteria. Collection method: clinical testing. Allele origin: germline.

Breakthrough Genomics
Classification: Likely benign. Review status: criteria provided, single submitter. Criteria: ACMG Guidelines, 2015. Collection method: not provided. Allele origin: germline. Inheritance: Autosomal recessive inheritance. Affected: yes.

PreventionGenetics, part of Exact Sciences
Classification: Likely benign for SYNE1-related condition. Last evaluated: 2021-02-02. Review status: no assertion criteria provided. Collection method: clinical testing. Allele origin: germline. Not counted in ClinVar's aggregate classification.
Comment: This variant is classified as likely benign based on ACMG/AMP sequence variant interpretation guidelines (Richards et al. 2015 PMID: 25741868, with internal and published modifications).

NM_182961.4(SYNE1):c.20163C>T (p.Asn6721=)

Gene: SYNE1 (spectrin repeat containing nuclear envelope protein 1; minus strand). Cytogenetic location: 6q25.2.
Variant type: single nucleotide variant.
Coding change: c.20163C>T on transcript NM_182961.4 (MANE Select); coding-DNA position 20163, C replaced by T.
Protein change: p.Asn6721=; no amino-acid change (asparagine 6721 retained).
Molecular consequence: synonymous variant.
Genome position (GRCh38, 1-based): chr6:152,236,853, G>A on the plus strand (C>T on the coding strand, the complement: SYNE1 is on the minus strand). VCF-style: chr6-152236853-G-A. GRCh37 (hg19) VCF-style: chr6-152557988-G-A.
Other names: c.19950C>T, p.Asn6650= (NM_033071.5).
Identifiers: ClinVar variation 538418 (VCV000538418.37), dbSNP rs201221147, ClinGen allele CA4054483.